The following is an entry in ClinVar:

ClinVar aggregate classification (germline): Uncertain significance. Review status: criteria provided, multiple submitters, no conflicts (2 of 4 stars). 2 submissions from 2 submitters: Uncertain significance (2). Last evaluated 2024-04-17.

Conditions:
Familial thoracic aortic aneurysm and aortic dissection (TAAD). Also called: Thoracic aortic aneurysms and dissections. Identifiers: Orphanet 91387, MedGen C4707243, MONDO:0019625.
Aortic aneurysm, familial thoracic 4 (AAT4). Also called: AORTIC ANEURYSM/AORTIC DISSECTION AND PATENT DUCTUS ARTERIOSUS. Identifiers: MedGen C1851504, MONDO:0007568, OMIM 132900.

Allele frequency attached by ClinVar (database versions not stated): TOPMed below 0.00001; gnomAD exomes 0.00001 and 0.00002.
gnomAD v4.1: 3 of 1,611,596 alleles (0.00019%); highest among the groups gnomAD compares: East Asian, 0.0067%; no homozygotes.

Submissions (2):

Labcorp Genetics (formerly Invitae), Labcorp
Classification: Uncertain significance for Aortic aneurysm, familial thoracic 4. Last evaluated: 2024-04-17. Review status: criteria provided, single submitter. Criteria: Invitae Variant Classification Sherloc (09022015). Collection method: clinical testing. Allele origin: germline.
Comment: This sequence change falls in intron 15 of the MYH11 gene. It does not directly change the encoded amino acid sequence of the MYH11 protein. It affects a nucleotide within the consensus splice site. This variant is present in population databases (rs762212339, gnomAD 0.03%), including at least one homozygous and/or hemizygous individual. This variant has not been reported in the literature in individuals affected with MYH11-related conditions. ClinVar contains an entry for this variant (Variation ID: 924292). Variants that disrupt the consensus splice site are a relatively common cause of aberrant splicing (PMID: 17576681, 9536098). Algorithms developed to predict the effect of sequence changes on RNA splicing suggest that this variant may disrupt the consensus splice site. In summary, the available evidence is currently insufficient to determine the role of this variant in disease. Therefore, it has been classified as a Variant of Uncertain Significance.

Color Diagnostics, LLC DBA Color Health
Classification: Uncertain significance for Familial thoracic aortic aneurysm and aortic dissection. Last evaluated: 2018-11-17. Review status: criteria provided, single submitter. Criteria: ACMG Guidelines, 2015. Collection method: clinical testing. Allele origin: germline.
Comment: Variant of Uncertain Significance due to insufficient evidence: This variant is located close to the intron 15 splice donor site of the MYH11 gene. Computational splicing tools predict that this variant may have a significant impact on RNA splicing. To our knowledge, RNA studies have not been performed for this variant nor has this variant been reported in individuals affected with cardiovascular disorders in the literature. This variant has been identified in 5/239826 chromosomes in the general population by the Genome Aggregation Database (gnomAD). Available evidence is insufficient to determine the pathogenicity of this variant conclusively.

Literature cited by the submitters: PubMed 17576681 (cited by Labcorp Genetics (formerly Invitae), Labcorp); PubMed 9536098 (cited by Labcorp Genetics (formerly Invitae), Labcorp).

NM_002474.3(MYH11):c.1749+3A>G

Gene: MYH11 (myosin heavy chain 11; minus strand). Cytogenetic location: 16p13.11.
Variant type: single nucleotide variant.
Coding change: c.1749+3A>G on transcript NM_002474.3 (MANE Select); 3 bases into the intron after coding-DNA position 1749, A replaced by G.
Molecular consequence: intron variant.
Genome position (GRCh38, 1-based): chr16:15,756,338, T>C on the plus strand (A>G on the coding strand, the complement: MYH11 is on the minus strand). VCF-style: chr16-15756338-T-C. GRCh37 (hg19) VCF-style: chr16-15850195-T-C.
Other names: c.1749+3A>G (NM_022844.3); c.1770+3A>G (NM_001040114.2, NM_001040113.2).
Identifiers: ClinVar variation 924292 (VCV000924292.5), dbSNP rs762212339, ClinGen allele CA7922538.